The following is an entry in ClinVar:

ClinVar aggregate classification (germline): Uncertain significance (1 of 4 stars; one submission).

Conditions:
Hereditary cancer-predisposing syndrome. Also called: Tumor predisposition; Neoplastic Syndromes, Hereditary; Hereditary neoplastic syndrome; Hereditary Cancer Syndrome. Identifiers: Orphanet 140162, MedGen C0027672, MeSH D009386, MONDO:0015356.

Submission:

Ambry Genetics
Classification: Uncertain significance for Hereditary cancer-predisposing syndrome. Last evaluated: 2024-08-02. Review status: criteria provided, single submitter. Criteria: Ambry Variant Classification Scheme 2023. Collection method: clinical testing. Allele origin: germline.
Comment: The p.L159F variant (also known as c.475C>T), located in coding exon 4 of the SDHD gene, results from a C to T substitution at nucleotide position 475. The leucine at codon 159 is replaced by phenylalanine, an amino acid with highly similar properties. This amino acid position is conserved. In addition, this alteration is predicted to be deleterious by in silico analysis. Based on the available evidence, the clinical significance of this variant remains unclear.

NM_003002.4(SDHD):c.475C>T (p.Leu159Phe)

Gene: SDHD (succinate dehydrogenase complex subunit D; plus strand). Cytogenetic location: 11q23.1.
Variant type: single nucleotide variant.
Coding change: c.475C>T on transcript NM_003002.4 (MANE Select); coding-DNA position 475, C replaced by T.
Protein change: p.Leu159Phe; replaces leucine 159 with phenylalanine.
Molecular consequence: missense variant. On other transcripts: 3 prime UTR variant (2), non-coding transcript variant (1).
Genome position (GRCh38, 1-based): chr11:112,094,965, C>T. VCF-style: chr11-112094965-C-T. GRCh37 (hg19) VCF-style: chr11-111965689-C-T.
Other names: c.*72C>T (NM_001276503.2); c.358C>T, p.Leu120Phe (NM_001276504.2); c.*173C>T (NM_001276506.2); short protein forms L159F, L120F.
Identifiers: ClinVar variation 3438797 (VCV003438797.1).